The following is an entry in ClinVar:

ClinVar aggregate classification (germline): Benign/Likely benign. Review status: criteria provided, multiple submitters, no conflicts (2 of 4 stars). 3 submissions from 3 submitters: Benign (1); Likely benign (2). Last evaluated 2025-07-07.

Conditions:
Pheochromocytoma/paraganglioma syndrome 5. Also called: Paragangliomas 5; SDHA-Related Hereditary Paraganglioma-Pheochromocytoma Syndrome. Identifiers: Orphanet 29072, MedGen C3279992, MONDO:0013602, OMIM 614165.
Hereditary cancer-predisposing syndrome. Also called: Tumor predisposition; Neoplastic Syndromes, Hereditary; Hereditary Cancer Syndrome; Hereditary neoplastic syndrome. Identifiers: Orphanet 140162, MedGen C0027672, MeSH D009386, MONDO:0015356.
Mitochondrial complex II deficiency, nuclear type 1. Also called: SUCCINATE CoQ REDUCTASE DEFICIENCY. Identifiers: Orphanet 3208, MedGen C5700310, MONDO:0100294, OMIM 252011.

Allele frequency attached by ClinVar (database versions not stated): gnomAD exomes 0.00001.
gnomAD v4.1: 3 of 1,614,078 alleles (0.00019%); highest among the groups gnomAD compares: South Asian, 0.0011%; no homozygotes.

Submissions (3):

Labcorp Genetics (formerly Invitae), Labcorp
Classification: Likely benign for Pheochromocytoma/paraganglioma syndrome 5; Mitochondrial complex II deficiency, nuclear type 1. Last evaluated: 2025-07-07. Review status: criteria provided, single submitter. Criteria: Invitae Variant Classification Sherloc (09022015). Collection method: clinical testing. Allele origin: germline.

Myriad Genetics, Inc.
Classification: Benign for Pheochromocytoma/paraganglioma syndrome 5. Last evaluated: 2025-03-07. Review status: criteria provided, single submitter. Criteria: Myriad Autosomal Dominant, Autosomal Recessive and X-Linked Classification Criteria (2023). Collection method: clinical testing. Allele origin: unknown.
Comment: This variant is considered benign. This variant is a silent/synonymous amino acid change and it is not expected to impact splicing.

Ambry Genetics
Classification: Likely benign for Hereditary cancer-predisposing syndrome. Last evaluated: 2024-01-12. Review status: criteria provided, single submitter. Criteria: Ambry Variant Classification Scheme 2023. Collection method: clinical testing. Allele origin: germline.

NM_004168.4(SDHA):c.1173T>C (p.Ala391=)

Gene: SDHA (succinate dehydrogenase complex flavoprotein subunit A; plus strand). Cytogenetic location: 5p15.33.
Variant type: single nucleotide variant.
Coding change: c.1173T>C on transcript NM_004168.4 (MANE Select); coding-DNA position 1173, T replaced by C.
Protein change: p.Ala391=; no amino-acid change (alanine 391 retained).
Molecular consequence: synonymous variant.
Genome position (GRCh38, 1-based): chr5:235,252, T>C. VCF-style: chr5-235252-T-C. GRCh37 (hg19) VCF-style: chr5-235367-T-C.
Other names: c.1029T>C, p.Ala343= (NM_001294332.2); c.1173T>C, p.Ala391= (NM_001330758.2); c.1173T>C (NM_004168.2).
Identifiers: ClinVar variation 741883 (VCV000741883.13), dbSNP rs1579406627, ClinGen allele CA442691991.